The following is an entry in ClinVar:

ClinVar aggregate classification (germline): Uncertain significance (1 of 4 stars; one submission).

Conditions:
Deficiency of alpha-mannosidase (MANSA). Also called: LYSOSOMAL ALPHA-D-MANNOSIDASE DEFICIENCY; Alpha-Mannosidosis; Mannosidosis, alpha-, types I and II. Identifiers: Orphanet 61, MedGen C0024748, MONDO:0009561, OMIM 248500.

Allele frequency attached by ClinVar (database versions not stated): gnomAD exomes below 0.00001.

Submission:

Labcorp Genetics (formerly Invitae), Labcorp
Classification: Uncertain significance for Deficiency of alpha-mannosidase. Last evaluated: 2022-07-13. Review status: criteria provided, single submitter. Criteria: Invitae Variant Classification Sherloc (09022015). Collection method: clinical testing. Allele origin: germline.
Comment: This variant has not been reported in the literature in individuals affected with MAN2B1-related conditions. This variant is not present in population databases (gnomAD no frequency). This sequence change falls in intron 9 of the MAN2B1 gene. It does not directly change the encoded amino acid sequence of the MAN2B1 protein. Algorithms developed to predict the effect of sequence changes on RNA splicing suggest that this variant may create or strengthen a splice site. In summary, the available evidence is currently insufficient to determine the role of this variant in disease. Therefore, it has been classified as a Variant of Uncertain Significance.

NM_000528.4(MAN2B1):c.1230+8G>A

Gene: MAN2B1 (mannosidase alpha class 2B member 1; minus strand). Cytogenetic location: 19p13.13.
Variant type: single nucleotide variant.
Coding change: c.1230+8G>A on transcript NM_000528.4 (MANE Select); 8 bases into the intron after coding-DNA position 1230, G replaced by A.
Molecular consequence: intron variant.
Genome position (GRCh38, 1-based): chr19:12,658,216, C>T on the plus strand (G>A on the coding strand, the complement: MAN2B1 is on the minus strand). VCF-style: chr19-12658216-C-T. GRCh37 (hg19) VCF-style: chr19-12769030-C-T.
Other names: c.1227+8G>A (NM_001173498.2).
Identifiers: ClinVar variation 2142494 (VCV002142494.4), dbSNP rs1289710516, ClinGen allele CA783349633.